The following is an entry in ClinVar:

ClinVar aggregate classification (germline): Uncertain significance (1 of 4 stars; one submission).

Conditions:
Inborn genetic diseases. Identifiers: MedGen C0950123, MeSH D030342.

gnomAD v4.1: 212 of 1,614,044 alleles (0.013%); highest among the groups gnomAD compares: Admixed American, 0.05%; no homozygotes.

Submission:

Ambry Genetics
Classification: Uncertain significance for Inborn genetic diseases. Last evaluated: 2026-02-23. Review status: criteria provided, single submitter. Criteria: Ambry Variant Classification Scheme 2023. Collection method: clinical testing. Allele origin: germline.
Comment: The c.1028T>C (p.I343T) alteration is located in exon 8 (coding exon 7) of the UBE4A gene. This alteration results from a T to C substitution at nucleotide position 1028, causing the isoleucine (I) at amino acid position 343 to be replaced by a threonine (T). Based on data from gnomAD, the C allele has an overall frequency of 0.017% (43/251418) total alleles studied. The highest observed frequency was 0.052% (18/34590) of Latino alleles. Based on insufficient or conflicting evidence, the clinical significance of this alteration remains unclear.

NM_001204077.2(UBE4A):c.1007T>C (p.Ile336Thr)

Gene: UBE4A (ubiquitination factor E4A; plus strand). Cytogenetic location: 11q23.3.
Variant type: single nucleotide variant.
Coding change: c.1007T>C on transcript NM_001204077.2 (MANE Select); coding-DNA position 1007, T replaced by C.
Protein change: p.Ile336Thr; replaces isoleucine 336 with threonine.
Molecular consequence: missense variant.
Genome position (GRCh38, 1-based): chr11:118,373,576, T>C. VCF-style: chr11-118373576-T-C. GRCh37 (hg19) VCF-style: chr11-118244291-T-C.
Other names: c.1028T>C, p.Ile343Thr (NM_004788.4); short protein forms I336T, I343T.
Identifiers: ClinVar variation 4828261 (VCV004828261.1).